The following is an entry in ClinVar:

NM_000021.4(PSEN1):c.415A>G (p.Met139Val)

Gene: PSEN1 (presenilin 1; plus strand). Cytogenetic location: 14q24.2.
Variant type: single nucleotide variant.
Coding change: c.415A>G on transcript NM_000021.4 (MANE Select); coding-DNA position 415, A replaced by G.
Protein change: p.Met139Val; replaces methionine 139 with valine.
Molecular consequence: missense variant.
Genome position (GRCh38, 1-based): chr14:73,173,642, A>G. VCF-style: chr14-73173642-A-G. GRCh37 (hg19) VCF-style: chr14-73640350-A-G.
Other names: c.403A>G, p.Met135Val (NM_007318.3); short protein forms M139V, M135V.
Identifiers: ClinVar variation 18128 (VCV000018128.51), dbSNP rs63751037, ClinGen allele CA225015.

ClinVar aggregate classification (germline): Pathogenic. Review status: criteria provided, multiple submitters, no conflicts (2 of 4 stars). 9 submissions from 9 submitters: Pathogenic (6). 3 of the submissions do not count toward it. Last evaluated 2023-12-04.

Conditions:
Pick disease. Also called: PICK DISEASE OF BRAIN; LOBAR ATROPHY OF BRAIN; Pick's disease; DEMENTIA WITH LOBAR ATROPHY AND NEURONAL CYTOPLASMIC INCLUSIONS; Pick Disease of the Brain. Identifiers: Orphanet 282, MedGen C0236642, MONDO:0008243, OMIM 172700.
Frontotemporal dementia (FTD1). Also called: Dementia, frontotemporal, with or without parkinsonism; MULTIPLE SYSTEM TAUOPATHY WITH PRESENILE DEMENTIA; Frontotemporal lobe dementia (FLDEM); FRONTOTEMPORAL DEMENTIA WITH PARKINSONISM; FRONTOTEMPORAL LOBE DEMENTIA; FRONTOTEMPORAL LOBAR DEGENERATION WITH TAU INCLUSIONS. Identifiers: Orphanet 282, MedGen C0338451, MONDO:0017276, OMIM 600274, HP:0002145.
Alzheimer disease 3 (AD3). Also called: ALZHEIMER DISEASE, FAMILIAL, 3. Identifiers: Orphanet 1020, MedGen C1843013, MONDO:0011913, OMIM 607822.
Acne inversa, familial, 3 (ACNINV3). Identifiers: MedGen C3151038, MONDO:0013398, OMIM 613737.

Submissions (9):

Labcorp Genetics (formerly Invitae), Labcorp
Classification: Pathogenic for Alzheimer disease 3; Pick disease; Acne inversa, familial, 3; Frontotemporal dementia. Last evaluated: 2023-12-04. Review status: criteria provided, single submitter. Criteria: Invitae Variant Classification Sherloc (09022015). Collection method: clinical testing. Allele origin: germline.
Comment: This sequence change replaces methionine, which is neutral and non-polar, with valine, which is neutral and non-polar, at codon 139 of the PSEN1 protein (p.Met139Val). This variant is not present in population databases (gnomAD no frequency). This missense change has been observed in individuals with early-onset familial Alzheimer disease (PMID: 7550356). It has also been observed to segregate with disease in related individuals. ClinVar contains an entry for this variant (Variation ID: 18128). Advanced modeling of protein sequence and biophysical properties (such as structural, functional, and spatial information, amino acid conservation, physicochemical variation, residue mobility, and thermodynamic stability) performed at Invitae indicates that this missense variant is not expected to disrupt PSEN1 protein function with a negative predictive value of 80%. For these reasons, this variant has been classified as Pathogenic.

Institute of Human Genetics Munich, TUM University Hospital
Classification: Pathogenic for Alzheimer disease 3. Last evaluated: 2022-07-29. Review status: criteria provided, single submitter. Criteria: Classification criteria August 2017. Collection method: clinical testing. Allele origin: germline. Inheritance: Autosomal dominant inheritance. Affected: yes. Observed: 1 variant allele.

CeGaT Center for Human Genetics Tuebingen
Classification: Pathogenic. Last evaluated: 2021-04-01. Review status: criteria provided, single submitter. Criteria: CeGaT Center For Human Genetics Tuebingen Variant Classification Criteria Version 2. Collection method: clinical testing. Allele origin: germline. Affected: yes. Observed: 2 variant alleles.

Institute of Medical Genetics and Applied Genomics, University Hospital Tübingen
Classification: Pathogenic. Last evaluated: 2020-10-23. Review status: criteria provided, single submitter. Criteria: ACMG Guidelines, 2015. Collection method: clinical testing. Allele origin: germline. Inheritance: Autosomal dominant inheritance. Affected: yes.

Athena Diagnostics
Classification: Pathogenic. Last evaluated: 2015-12-24. Review status: criteria provided, single submitter. Criteria: Athena Diagnostics Criteria. Collection method: clinical testing. Allele origin: germline.

Human Genome Lab, NIMHANS, National Institute of Mental Health and Neuro Sciences
Classification: Pathogenic for Alzheimer disease 3. Review status: criteria provided, single submitter. Criteria: ACMG Guidelines, 2015. Collection method: clinical testing. Allele origin: germline. Inheritance: Autosomal dominant inheritance. Affected: yes. Observed: 1 heterozygote.
Comment: The missense variant NM_000021.4(PSEN1):c.415A>G (p.Met139Val) is novel in 1kG All and gnomAD joint variant frequencies database (PM2). There is a small physicochemical difference between methionine and valine, which is not likely to impact secondary protein structure as these residues share similar properties. The gene PSEN1 has a low rate of benign missense variation as indicated by a high missense variants Z-Score of 3.10. The gene PSEN1 contains 123 pathogenic missense variants, indicating that missense variants are a common mechanism of disease in this gene (PP2). 10 variants within 6 amino acid positions of the variant p.Met139Val have been shown to be pathogenic, while none have been shown to be benign (PM1). The p.Met139Val missense variant is predicted to be damaging by both SIFT and PolyPhen2. The methionine residue at codon 139 of PSEN1 is conserved in all mammalian species. The nucleotide c.415 in PSEN1 is predicted conserved by GERP++ and PhyloP across 100 vertebrates (PP3). The p.Met139Val variant is a missense mutation resulting in an amino acid change which is shared by the previously classified pathogenic variant p.Met139Val (PS1). The variant p.Met139Val has been previously classified as Pathogenic in ClinVar (Variation ID 18128 as of 2025-05-01) with respect to Alzheimer disease 3 and 2 other conditions with a status of (2 stars) criteria provided, multiple submitters, no conflicts (PP5). For these reasons, this variant has been classified as Pathogenic. ACMG Criteria: PM2 PM1 PP2 PP3 PP5 PS1

OMIM
Classification: Pathogenic for ALZHEIMER DISEASE, FAMILIAL, 3. Last evaluated: 2003-06-01. Review status: no assertion criteria provided. Collection method: literature only. Allele origin: germline. Not counted in ClinVar's aggregate classification.

GeneReviews
No classification provided. Condition: Alzheimer disease 3. Review status: no classification provided. Collection method: literature only. Allele origin: unknown. Not counted in ClinVar's aggregate classification.

VIB  Department of Molecular Genetics, University of Antwerp
No classification provided. Review status: no classification provided. Collection method: not provided. Allele origin: unknown. Not counted in ClinVar's aggregate classification.

Literature cited by the submitters: PubMed 7550356 (cited by 4 submitters); PubMed 10631141 (cited by Athena Diagnostics); PubMed 22810102 (cited by Athena Diagnostics); PubMed 19111578 (cited by Athena Diagnostics); PubMed 20634584 (cited by Athena Diagnostics); PubMed 8538334 (cited by Athena Diagnostics); PubMed 8733749 (cited by Athena Diagnostics); PubMed 8773614 (cited by Athena Diagnostics); PubMed 9126060 (cited by Athena Diagnostics and OMIM); PubMed 9728730 (cited by Athena Diagnostics and OMIM); PubMed 10090481 (cited by Athena Diagnostics); PubMed 12752408 (cited by Athena Diagnostics); PubMed 12810495 (cited by 3 submitters); PubMed 14769392 (cited by Athena Diagnostics); PubMed 15337637 (cited by Athena Diagnostics); PubMed 10468510 (cited by Athena Diagnostics); PubMed 10327206 (cited by Athena Diagnostics); PubMed 17254019 (cited by Athena Diagnostics); PubMed 11079548 (cited by Athena Diagnostics); PubMed 26243271 (cited by Athena Diagnostics); PubMed 17108687 (cited by Athena Diagnostics); PubMed 24352661 (cited by Athena Diagnostics); PubMed 22505025 (cited by Athena Diagnostics); PubMed 23380992 (cited by Athena Diagnostics); PubMed 15772361 (cited by Athena Diagnostics); PubMed 23539189 (cited by Athena Diagnostics); PubMed 26051801 (cited by Athena Diagnostics); PubMed 14743455 (cited by Athena Diagnostics); PubMed 16930450 (cited by Athena Diagnostics); PubMed 23570890 (cited by Athena Diagnostics); PubMed 11504726 (cited by Athena Diagnostics); PubMed 11027672 (cited by Athena Diagnostics); PubMed 11395394 (cited by Athena Diagnostics); PubMed 9540849 (cited by Athena Diagnostics); PubMed 20301414 (cited by GeneReviews); NCBI Bookshelf NBK1236 (cited by GeneReviews).